The following is an entry in ClinVar:

ClinVar aggregate classification (germline): Likely benign (0 of 4 stars; one submission).

Conditions:
USP7-related disorder. Also called: USP7-related condition.

Submission:

PreventionGenetics, part of Exact Sciences
Classification: Likely benign for USP7-related condition. Last evaluated: 2019-05-24. Review status: no assertion criteria provided. Collection method: clinical testing. Allele origin: germline.
Comment: This variant is classified as likely benign based on ACMG/AMP sequence variant interpretation guidelines (Richards et al. 2015 PMID: 25741868, with internal and published modifications).

NM_003470.3(USP7):c.990C>T (p.Ser330=)

Gene: USP7 (ubiquitin specific peptidase 7; minus strand). Cytogenetic location: 16p13.2.
Variant type: single nucleotide variant.
Coding change: c.990C>T on transcript NM_003470.3 (MANE Select); coding-DNA position 990, C replaced by T.
Protein change: p.Ser330=; no amino-acid change (serine 330 retained).
Molecular consequence: synonymous variant. On other transcripts: non-coding transcript variant (1).
Genome position (GRCh38, 1-based): chr16:8,915,342, G>A on the plus strand (C>T on the coding strand, the complement: USP7 is on the minus strand). VCF-style: chr16-8915342-G-A. GRCh37 (hg19) VCF-style: chr16-9009199-G-A.
Other names: c.942C>T, p.Ser314= (NM_001286457.2); c.693C>T, p.Ser231= (NM_001286458.2); c.816C>T, p.Ser272= (NM_001321858.2).
Identifiers: ClinVar variation 3038950 (VCV003038950.2), dbSNP rs2062011520, ClinGen allele CA493519661.
Genomic context (GRCh38, chr16:8,915,342, plus strand): 5'-GATATCATAATAATCTTCTCTTCTATCAGACCGATAGTCTACTTCTTTACACTGGATATA[G>A]GACTGCAAATAAGGAAAGTAAAAGTGGTTTAACTAGTAATAGTCAAAAAATTCACATTCT-3'
Protein context (NP_003461.2, residues 320-340): IPKLFRGKMV[Ser330=]YIQCKEVDYR